The following is an entry in ClinVar:

NM_001330260.2(SCN8A):c.3686G>T (p.Arg1229Leu)

Gene: SCN8A (sodium voltage-gated channel alpha subunit 8; plus strand). Cytogenetic location: 12q13.13.
Variant type: single nucleotide variant.
Coding change: c.3686G>T on transcript NM_001330260.2 (MANE Select); coding-DNA position 3686, G replaced by T.
Protein change: p.Arg1229Leu; replaces arginine 1229 with leucine.
Molecular consequence: missense variant.
Genome position (GRCh38, 1-based): chr12:51,774,229, G>T. VCF-style: chr12-51774229-G-T. GRCh37 (hg19) VCF-style: chr12-52168013-G-T.
Other names: c.3686G>T, p.Arg1229Leu (NM_001177984.3, NM_001369788.1, NM_014191.4); short protein forms R1229L.
Identifiers: ClinVar variation 1364524 (VCV001364524.9), dbSNP rs1020998191, ClinGen allele CA384898923.

ClinVar aggregate classification (germline): Uncertain significance (1 of 4 stars; one submission).

Conditions:
Early-infantile DEE. Also called: Early infantile epileptic encephalopathy with suppression bursts; Early infantile epileptic encephalopathy; Ohtahara syndrome. Identifiers: Orphanet 1934, MedGen C0393706, MONDO:0800491.

Submission:

Labcorp Genetics (formerly Invitae), Labcorp
Classification: Uncertain significance for Early-infantile DEE. Last evaluated: 2021-04-29. Review status: criteria provided, single submitter. Criteria: Invitae Variant Classification Sherloc (09022015). Collection method: clinical testing. Allele origin: germline.
Comment: This variant has not been reported in the literature in individuals with SCN8A-related conditions. In summary, the available evidence is currently insufficient to determine the role of this variant in disease. Therefore, it has been classified as a Variant of Uncertain Significance. Algorithms developed to predict the effect of missense changes on protein structure and function are either unavailable or do not agree on the potential impact of this missense change (SIFT: "Deleterious"; PolyPhen-2: "Benign"; Align-GVGD: "Class C0"). This variant is not present in population databases (ExAC no frequency). This sequence change replaces arginine with leucine at codon 1229 of the SCN8A protein (p.Arg1229Leu). The arginine residue is highly conserved and there is a moderate physicochemical difference between arginine and leucine.